The following is an entry in ClinVar:

NM_006514.4(SCN10A):c.2442dup (p.Asn815Ter)

Gene: SCN10A (sodium voltage-gated channel alpha subunit 10; minus strand). Cytogenetic location: 3p22.2.
Variant type: Duplication.
Coding change: c.2442dup on transcript NM_006514.4 (MANE Select); coding-DNA position 2442, one base duplicated (T; older notation c.2442dupT).
Protein change: p.Asn815Ter; replaces asparagine 815 with a stop codon.
Molecular consequence: nonsense.
Genome position (GRCh38, 1-based): chr3:38,728,740, A duplicated on the plus strand (T on the coding strand, the reverse complement: SCN10A is on the minus strand). VCF-style (leftmost placement, unchanged base first): chr3-38728739-T-TA. GRCh37 (hg19) VCF-style: chr3-38770230-T-TA.
Other names: c.2442dup, p.Asn815Ter (NM_001293306.2); c.2148dup, p.Asn717Ter (NM_001293307.2); short protein forms N815*, N717*.
Identifiers: ClinVar variation 1419661 (VCV001419661.8), dbSNP rs1447743812, ClinGen allele CA906869846.

ClinVar aggregate classification (germline): Uncertain significance. Review status: criteria provided, multiple submitters, no conflicts (2 of 4 stars). 2 submissions from 2 submitters: Uncertain significance (2). Last evaluated 2022-10-17.

Conditions:
Cardiovascular phenotype. Identifiers: MedGen CN230736.
Brugada syndrome. Also called: Sudden unexplained nocturnal death syndrome; Sudden Unexplained Death Syndrome; Sudden Unexplained Nocturnal Death Syndrome (SUNDS); Sudden unexpected nocturnal death syndrome. Identifiers: Orphanet 130, MedGen C1142166, MONDO:0015263.

Allele frequency attached by ClinVar (database versions not stated): TOPMed 0.00002.

Submissions (2):

Labcorp Genetics (formerly Invitae), Labcorp
Classification: Uncertain significance for Brugada syndrome. Last evaluated: 2022-10-17. Review status: criteria provided, single submitter. Criteria: Invitae Variant Classification Sherloc (09022015). Collection method: clinical testing. Allele origin: germline.
Comment: In summary, the available evidence is currently insufficient to determine the role of this variant in disease. Therefore, it has been classified as a Variant of Uncertain Significance. ClinVar contains an entry for this variant (Variation ID: 1419661). This variant has not been reported in the literature in individuals affected with SCN10A-related conditions. This variant is not present in population databases (gnomAD no frequency). This sequence change creates a premature translational stop signal (p.Asn815*) in the SCN10A gene. It is expected to result in an absent or disrupted protein product. However, the current clinical and genetic evidence is not sufficient to establish whether loss-of-function variants in SCN10A cause disease.

Ambry Genetics
Classification: Uncertain significance for Cardiovascular phenotype. Last evaluated: 2021-09-20. Review status: criteria provided, single submitter. Criteria: Ambry Variant Classification Scheme 2023. Collection method: clinical testing. Allele origin: germline.
Comment: The c.2442dupT variant, located in coding exon 15 of the SCN10A gene, results from a duplication of T at nucleotide position 2442, causing a translational frameshift with a predicted alternate stop codon (p.N815*). This alteration is expected to result in loss of function by premature protein truncation or nonsense-mediated mRNA decay. However, loss of function of SCN10A has not been clearly established as a mechanism of disease. Since supporting evidence is limited at this time, the clinical significance of this alteration remains unclear.